The following is an entry in ClinVar:

ClinVar aggregate classification (germline): Likely pathogenic. Review status: reviewed by expert panel (3 of 4 stars). 5 submissions from 5 submitters: Likely pathogenic (1). 4 of the submissions do not count toward it. Last evaluated 2023-11-21.

Conditions:
Glycogen storage disease, type II (IOPD). Also called: CARDIOMEGALIA GLYCOGENICA DIFFUSA; POMPE DISEASE, INFANTILE-ONSET; GLYCOGEN STORAGE DISEASE II, INFANTILE-ONSET; ACID ALPHA-GLUCOSIDASE DEFICIENCY, INFANTILE-ONSET; GAA DEFICIENCY, INFANTILE-ONSET; ACID MALTASE DEFICIENCY, INFANTILE-ONSET. Identifiers: Orphanet 365, MedGen C0017921, MONDO:0009290, OMIM 232300.

Allele frequency attached by ClinVar (database versions not stated): gnomAD exomes below 0.00001.
gnomAD v4.1: 2 of 1,609,912 alleles (0.00012%); highest among the groups gnomAD compares: East Asian, 0.0022%; no homozygotes.

Submissions (5):

ClinGen Lysosomal Storage Disorder Variant Curation Expert Panel
Classification: Likely pathogenic for Glycogen storage disease, type II. Last evaluated: 2023-11-21. Review status: reviewed by expert panel. Criteria: clingen_lsd_acmg_specifications_v2-1. Collection method: curation. Allele origin: germline. Inheritance: Autosomal recessive inheritance.
Comment: The NM_000152.5:c.1905C>A variant in GAA is predicted to result in the substitution of asparagine by lysine at amino acid 635 (p.Asn635Lys). The variant has been identified in four probands from Brazil, three of whom were diagnosed with infantile onset Pompe disease (IOPD), with symptoms that included hypotonia, cardiomegaly, and respiratory distress, and death in the first year of life. The fourth patient has late onset Pompe disease (LOPD). No GAA activity was available for any of these indviduals (PMID: 19588081) (PP4). Two of these patients have been reported to be compound heterozygous for the variant and another variant in GAA that has been classified as pathogenic by the ClinGen LD VCEP; c.2501_2502delCA (p.Thr834Argfs48Ter) in a patient with IOPD, and c.-32-3C>A in a patient with LOPD. The phase was not confirmed. A further two patients are homozygous for the variant (PMID: 19588081)(PM3_Strong). This variant results in 0% GAA activity in cells and 0.1% GAA activity in medium and is abnormally synthesized and processed when expressed in COS-7 or HEK293T cells, and was classified as Class B ("potentially less severe") by Kroos et al, 2012 (PMID: 22644586) (PS3_Moderate). The computational predictor REVEL gives a score of 0.61 which is neither above nor below the thresholds predicting a damaging (>0.7) or benign (<0.5) impact on GAA function. The highest population minor allele frequency in gnomAD v4.0. is 0.00002522 (1/39644 alleles) in the East Asian population, which is lower than the ClinGen Lysosomal Diseases VCEP’s threshold for PM2_Supporting (<0.001), meeting this criterion (PM2_Supporting). Another missense variant at the same amino acid position, c.1903A>G (p.Asn635Asp), has been reported in individuals with Pompe disease (PMID: 37087815, Clinical diagnostic laboratory). The evidence from c.1905C>A (p.Asn635Lys) will be used to support the classification of c.1903A>G (p.Asn635Asp) and is not included here to avoid circular logic. There is a ClinVar entry for this variant (Variation ID: 632823). In summary, this variant meets the criteria to be classified as Likely Pathogenic for Pompe disease. GAA-specific ACMG/AMP criteria applied, as specified by the ClinGen LSD VCEP: PM3, PS3_Moderate, PP4, PM2_Supporting. (Classification approved by the ClinGen Lysosomal Diseases VCEP on November 21, 2023)

Genomenon, Inc
Classification: Likely pathogenic for Glycogen storage disease, type II. Last evaluated: 2026-07-01. Review status: criteria provided, single submitter. Criteria: Genomenon Sequence Variant Interpretation Standards - Updated. Collection method: curation. Allele origin: germline. Affected: yes. Not counted in ClinVar's aggregate classification.
Comment: GAA p.Asn635Lys (c.1905C>A) is a missense variant that changes the amino acid at codon 635 from Asparagine to Lysine. This variant has been observed in at least one proband with a GAA-related disorder in the compound heterozygous and/or homozygous state (PMID:19588081). At least one functional study has demonstrated a substantial alteration in protein function relative to the wild-type (PMID:22644586). It is absent or not present at a significant frequency in gnomAD. In conclusion, we classify GAA p.Asn635Lys (c.1905C>A) as a likely pathogenic variant.

Labcorp Genetics (formerly Invitae), Labcorp
Classification: Pathogenic for Glycogen storage disease, type II. Last evaluated: 2026-01-05. Review status: criteria provided, single submitter. Criteria: Invitae Variant Classification Sherloc (09022015). Collection method: clinical testing. Allele origin: germline. Not counted in ClinVar's aggregate classification.
Comment: This sequence change replaces asparagine, which is neutral and polar, with lysine, which is basic and polar, at codon 635 of the GAA protein (p.Asn635Lys). The frequency data for this variant in the population databases is considered unreliable, as metrics indicate poor data quality at this position in the gnomAD database. This missense change has been observed in individuals with Pompe disease (PMID: 19588081). ClinVar contains an entry for this variant (Variation ID: 632823). Invitae Evidence Modeling of protein sequence and biophysical properties (such as structural, functional, and spatial information, amino acid conservation, physicochemical variation, residue mobility, and thermodynamic stability) indicates that this missense variant is expected to disrupt GAA protein function with a positive predictive value of 95%. Experimental studies have shown that this missense change affects GAA function (PMID: 22644586). For these reasons, this variant has been classified as Pathogenic.

Broad Center for Mendelian Genomics, Broad Institute of MIT and Harvard
Classification: Likely pathogenic for Glycogen storage disease, type II. Last evaluated: 2020-01-15. Review status: criteria provided, single submitter. Criteria: ACMG Guidelines, 2015. Collection method: curation. Allele origin: germline. Inheritance: Autosomal recessive inheritance. Not counted in ClinVar's aggregate classification.
Comment: The p.Asn635Lys variant in GAA has been reported in at least 5 individuals with glycogen storage disease II (PMID: 19588081, 22644586, 22658377) and has been identified in 0.003% (1/33926) of Latino chromosomes by the Genome Aggregation Database (gnomAD; dbSNP rs1414146587). Although this variant has been seen in the general population, its frequency is low enough to be consistent with a recessive carrier frequency. In vitro functional studies using cells transfected with the variant provide some evidence that the p.Asn635Lys variant may impact protein function (PMID: 22644586). However, these types of assays may not accurately represent biological function. Computational prediction tools and conservation analyses do not provide strong support for or against an impact to the protein. This variant has been reported in the homozygous state and in combination with reported pathogenic variants in multiple individuals with glycogen storage disease II (PMID: 19588081, 22658377). In summary, although additional studies are required to fully establish its clinical significance, this variant is likely pathogenic. ACMG/AMP Criteria applied: PS3, PM2 (Richards 2015).

Women's Health and Genetics/Laboratory Corporation of America, LabCorp
Classification: Pathogenic for Glycogen storage disease, type II. Last evaluated: 2018-10-26. Review status: criteria provided, single submitter. Criteria: LabCorp Variant Classification Summary - May 2015. Collection method: clinical testing. Allele origin: germline. Not counted in ClinVar's aggregate classification.
Comment: Variant summary: GAA c.1905C>A (p.Asn635Lys) results in a non-conservative amino acid change in the encoded protein sequence. Four of five in-silico tools predict a damaging effect of the variant on protein function. The variant allele was found at a frequency of 4.2e-06 in 237820 control chromosomes. c.1905C>A has been reported in the literature in multiple individuals affected with Glycogen Storage Disease, Type 2 (Pompe Disease). These data indicate that the variant is very likely to be associated with disease. At least one publication reports experimental evidence evaluating an impact on protein function. The most pronounced variant effect was estimated to result in 10%-<30% of normal activity. No clinical diagnostic laboratories have submitted clinical-significance assessments for this variant to ClinVar after 2014. Based on the evidence outlined above, the variant was classified as pathogenic.

Literature cited by the submitters: PubMed 19588081 (cited by 3 submitters); PubMed 22644586 (cited by 4 submitters).

NM_000152.5(GAA):c.1905C>A (p.Asn635Lys)

Gene: GAA (alpha glucosidase; plus strand). Cytogenetic location: 17q25.3.
Variant type: single nucleotide variant.
Coding change: c.1905C>A on transcript NM_000152.5 (MANE Select); coding-DNA position 1905, C replaced by A.
Protein change: p.Asn635Lys; replaces asparagine 635 with lysine.
Molecular consequence: missense variant.
Genome position (GRCh38, 1-based): chr17:80,112,892, C>A. VCF-style: chr17-80112892-C-A. GRCh37 (hg19) VCF-style: chr17-78086691-C-A.
Other names: NM_000152.5:c.1905C>A; NM_000152.5(GAA):c.1905C>A; p.Asn635Lys; c.1905C>A, p.Asn635Lys (NM_001079803.3, NM_001079804.3); c.1905C>A (LRG_673t1); short protein forms N635K.
Identifiers: ClinVar variation 632823 (VCV000632823.11), dbSNP rs1414146587, ClinGen allele CA401369859.